The following is an entry in ClinVar:

NM_016333.4(SRRM2):c.857C>T (p.Thr286Ile)

Gene: SRRM2 (serine/arginine repetitive matrix 2; plus strand). Cytogenetic location: 16p13.3.
Variant type: single nucleotide variant.
Coding change: c.857C>T on transcript NM_016333.4 (MANE Select); coding-DNA position 857, C replaced by T.
Protein change: p.Thr286Ile; replaces threonine 286 with isoleucine.
Molecular consequence: missense variant.
Genome position (GRCh38, 1-based): chr16:2,760,324, C>T. VCF-style: chr16-2760324-C-T. GRCh37 (hg19) VCF-style: chr16-2810325-C-T.
Other names: short protein forms T286I.
Identifiers: ClinVar variation 5017017 (VCV005017017.1).

ClinVar aggregate classification (germline): Uncertain significance (1 of 4 stars; one submission).

gnomAD v4.1: 1 of 1,613,868 alleles (0.000062%); no homozygotes.

Submission:

GeneDx
Classification: Uncertain significance. Last evaluated: 2026-03-21. Review status: criteria provided, single submitter. Criteria: GeneDx Variant Classification Process June 2021. Collection method: clinical testing. Allele origin: germline.
Comment: Not observed at significant frequency in large population cohorts (gnomAD); In silico analysis suggests that this missense variant does not alter protein structure/function; Has not been previously published as pathogenic or benign to our knowledge